The following is an entry in ClinVar:

NM_033159.4(HYAL1):c.979dup (p.Thr327fs)

Gene: HYAL1 (hyaluronidase 1; minus strand). Cytogenetic location: 3p21.31.
Variant type: Duplication.
Coding change: c.979dup on transcript NM_033159.4 (MANE Select); coding-DNA position 979, one base duplicated (A; older notation c.979dupA).
Protein change: p.Thr327fs; shifts the reading frame from threonine 327.
Molecular consequence: frameshift variant. On other transcripts: non-coding transcript variant (1), intron variant (1).
Genome position (GRCh38, 1-based): chr3:50,300,999, T duplicated on the plus strand (A on the coding strand, the reverse complement: HYAL1 is on the minus strand). VCF-style (leftmost placement, unchanged base first): chr3-50300998-G-GT. GRCh37 (hg19) VCF-style: chr3-50338429-G-GT.
Other names: c.979dup, p.Thr327fs (NM_153281.2); c.433dup, p.Thr145fs (NM_153283.3); c.202dup, p.Thr68fs (NM_153285.3); c.901-199dup (NM_153282.3); short protein forms T145fs, T327fs, T68fs.
Identifiers: ClinVar variation 4816918 (VCV004816918.1).

ClinVar aggregate classification (germline): Likely pathogenic (1 of 4 stars; one submission).

Conditions:
Deficiency of hyaluronoglucosaminidase (MPS9). Also called: MPS IX; Mucopolysaccharidosis type 9; HYALURONIDASE DEFICIENCY. Identifiers: Orphanet 67041, MedGen C1291490, MONDO:0011093, OMIM 601492.

Submission:

Natera, Inc.
Classification: Likely pathogenic for Mucopolysaccharidosis type IX. Last evaluated: 2025-12-22. Review status: criteria provided, single submitter. Criteria: Natera Variant Classification Schema (03/2026). Collection method: clinical testing. Allele origin: germline.
Comment: The c.979dup variant in HYAL1 is a frameshift variant predicted to shift the reading frame beginning at codon 327 and leads to a stop codon 57 codons downstream. This variant is expected to result in nonsense mediated decay, truncation, or a dysfunctional protein product. This variant is rare in the general population with a frequency below the threshold expected for the associated phenotype(s). Given the available evidence, this variant is classified as Likely Pathogenic.